The following is an entry in ClinVar:

ClinVar aggregate classification (germline): Uncertain significance (1 of 4 stars; one submission).

Submission:

Labcorp Genetics (formerly Invitae), Labcorp
Classification: Uncertain significance. Last evaluated: 2026-01-06. Review status: criteria provided, single submitter. Criteria: Invitae Variant Classification Sherloc (09022015). Collection method: clinical testing. Allele origin: germline.
Comment: This sequence change creates a premature translational stop signal (p.Tyr202*) in the MAD2L2 gene. While this is not anticipated to result in nonsense mediated decay, it is expected to disrupt the last 10 amino acid(s) of the MAD2L2 protein. This variant is not present in population databases (gnomAD no frequency). This variant has not been reported in the literature in individuals affected with MAD2L2-related conditions. Algorithms developed to predict the effect of sequence changes on RNA splicing suggest that this variant may disrupt the consensus splice site. In summary, the available evidence is currently insufficient to determine the role of this variant in disease. Therefore, it has been classified as a Variant of Uncertain Significance.

NM_006341.4(MAD2L2):c.606C>G (p.Tyr202Ter)

Gene: MAD2L2 (mitotic arrest deficient 2 like 2; minus strand). Cytogenetic location: 1p36.22.
Variant type: single nucleotide variant.
Coding change: c.606C>G on transcript NM_006341.4 (MANE Select); coding-DNA position 606, C replaced by G.
Protein change: p.Tyr202Ter; replaces tyrosine 202 with a stop codon.
Molecular consequence: nonsense.
Genome position (GRCh38, 1-based): chr1:11,674,805, G>C on the plus strand (C>G on the coding strand, the complement: MAD2L2 is on the minus strand). VCF-style: chr1-11674805-G-C. GRCh37 (hg19) VCF-style: chr1-11734862-G-C.
Other names: c.606C>G, p.Tyr202Ter (NM_001127325.2); short protein forms Y202*.
Identifiers: ClinVar variation 4718062 (VCV004718062.1).